The following is an entry in ClinVar:

ClinVar aggregate classification (germline): Conflicting classifications of pathogenicity. Review status: criteria provided, conflicting classifications (1 of 4 stars). 8 submissions from 8 submitters: Uncertain significance (6); Likely benign (2). Last evaluated 2025-12-15.

Conditions:
Cardiovascular phenotype. Identifiers: MedGen CN230736.
Hypertrichotic osteochondrodysplasia Cantu type. Also called: Cantu Syndrome; Cantú Syndrome. Identifiers: Orphanet 1517, MedGen C0795905, MONDO:0009406, OMIM 239850.
Dilated cardiomyopathy 1O (CMD1O). Also called: CARDIOMYOPATHY, DILATED, WITH VENTRICULAR TACHYCARDIA. Identifiers: Orphanet 154, MedGen C1837839, MONDO:0012062, OMIM 608569.
Atrial fibrillation, familial, 12 (ATFB12). Identifiers: MedGen C3279695, MONDO:0013545, OMIM 614050.
Intellectual disability and myopathy syndrome (IDMYS). Identifiers: MedGen C5676904, MONDO:0859224, OMIM 619719.
Primary dilated cardiomyopathy (DCM). Also called: Dilated Cardiomyopathy. Identifiers: Orphanet 217604, MedGen C0007193, MeSH D002311, MONDO:0005021, HP:0001644. Inheritance: Various modes of inheritance.

Allele frequency attached by ClinVar (database versions not stated): gnomAD 0.00001; TOPMed 0.00001; ExAC 0.00003; gnomAD exomes 0.00003.
gnomAD v4.1: 42 of 1,612,980 alleles (0.0026%); highest among the groups gnomAD compares: Middle Eastern, 0.15%; no homozygotes.

Submissions (8):

Labcorp Genetics (formerly Invitae), Labcorp
Classification: Uncertain significance for Dilated cardiomyopathy 1O. Last evaluated: 2025-12-15. Review status: criteria provided, single submitter. Criteria: Invitae Variant Classification Sherloc (09022015). Collection method: clinical testing. Allele origin: germline.
Comment: This sequence change replaces tyrosine, which is neutral and polar, with histidine, which is basic and polar, at codon 535 of the ABCC9 protein (p.Tyr535His). This variant is present in population databases (rs397517184, gnomAD 0.006%). This missense change has been observed in individual(s) with left ventricular noncompaction (PMID: 33500567). ClinVar contains an entry for this variant (Variation ID: 45389). Invitae Evidence Modeling of protein sequence and biophysical properties (such as structural, functional, and spatial information, amino acid conservation, physicochemical variation, residue mobility, and thermodynamic stability) has been performed for this missense variant. However, the output from this modeling did not meet the statistical confidence thresholds required to predict the impact of this variant on ABCC9 protein function. In summary, the available evidence is currently insufficient to determine the role of this variant in disease. Therefore, it has been classified as a Variant of Uncertain Significance.

Blueprint Genetics
Classification: Likely benign. Last evaluated: 2023-10-20. Review status: criteria provided, single submitter. Criteria: ACMG Guidelines, 2015. Collection method: clinical testing. Allele origin: germline.

Ambry Genetics
Classification: Uncertain significance for Cardiovascular phenotype. Last evaluated: 2023-01-31. Review status: criteria provided, single submitter. Criteria: Ambry General Variant Classification Scheme_2022. Collection method: clinical testing. Allele origin: germline.
Comment: The p.Y535H variant (also known as c.1603T>C), located in coding exon 10 of the ABCC9 gene, results from a T to C substitution at nucleotide position 1603. The tyrosine at codon 535 is replaced by histidine, an amino acid with similar properties. This alteration was reported in an exome sequencing cohort, a cohort of subjects with suspected with genetic disorders and a left ventricular non-compaction (LVNC) cohort (Mazzarotto F et al. Genet Med, 2021 May;23:856-864; Monies D et al. Am J Hum Genet, 2019 Jun;104:1182-1201; Saudi Mendeliome Group. Genome Biol, 2015 Jun;16:134). This amino acid position is well conserved in available vertebrate species. In addition, this alteration is predicted to be tolerated by in silico analysis. Since supporting evidence is limited at this time, the clinical significance of this alteration remains unclear.

Fulgent Genetics
Classification: Uncertain significance for Hypertrichotic osteochondrodysplasia Cantu type; Dilated cardiomyopathy 1O; Atrial fibrillation, familial, 12; Intellectual disability and myopathy syndrome. Last evaluated: 2021-10-20. Review status: criteria provided, single submitter. Criteria: ACMG Guidelines, 2015. Collection method: clinical testing. Allele origin: unknown.

GeneDx
Classification: Uncertain significance. Last evaluated: 2021-09-20. Review status: criteria provided, single submitter. Criteria: GeneDx Variant Classification Process June 2021. Collection method: clinical testing. Allele origin: germline. Affected: yes.
Comment: Has not been previously published as pathogenic or benign to our knowledge Reported in ClinVar (ClinVar Variant ID# 45389; Landrum et al., 2016) Observed in 7/250994 (0.0028%) alleles in large population cohorts (Lek et al., 2016) In silico analysis supports that this missense variant has a deleterious effect on protein structure/function

Department of Pathology and Laboratory Medicine, Sinai Health System
Classification: Uncertain significance for dilated cardiomyopathy. Last evaluated: 2021-07-30. Review status: criteria provided, single submitter. Criteria: ACMG Guidelines, 2015. Collection method: research. Allele origin: germline.

Genomic Medicine Center of Excellence, King Faisal Specialist Hospital and Research Centre
Classification: Likely benign. Last evaluated: 2016-09-28. Review status: criteria provided, single submitter. Criteria: ACMG Guidelines, 2015. Collection method: research. Allele origin: germline. Affected: yes.

Laboratory for Molecular Medicine, Mass General Brigham Personalized Medicine
Classification: Uncertain significance. Last evaluated: 2012-07-31. Review status: criteria provided, single submitter. Criteria: LMM Criteria. Collection method: clinical testing. Allele origin: germline. Observed: 1 variant allele.
Comment: Variant classified as Uncertain Significance - Favor Benign. The Tyr535His varia nt in ABCC9 has not been reported in the literature nor previously identified by our laboratory. Tyrosine (Tyr) at position 535 is not well conserved in evoluti on (chicken and fish both carry the variant amino acid (His) at this position), suggesting that this change may be tolerated. Other computational analyses (bioc hemical amino acid properties, AlignGVGD, PolyPhen2, and SIFT) also suggest that this variant may not impact the protein, though this information is not predict ive enough to rule out pathogenicity. This variant is more likely benign but add itional data is needed to establish this with confidence.

Literature cited by the submitters: PubMed 33500567 (cited by Labcorp Genetics (formerly Invitae), Labcorp and Ambry Genetics); PubMed 26112015 (cited by Ambry Genetics); PubMed 31130284 (cited by Ambry Genetics).

NM_020297.4(ABCC9):c.1603T>C (p.Tyr535His)

Gene: ABCC9 (ATP binding cassette subfamily C member 9; minus strand). Cytogenetic location: 12p12.1.
Variant type: single nucleotide variant.
Coding change: c.1603T>C on transcript NM_020297.4 (MANE Select); coding-DNA position 1603, T replaced by C.
Protein change: p.Tyr535His; replaces tyrosine 535 with histidine.
Molecular consequence: missense variant.
Genome position (GRCh38, 1-based): chr12:21,906,141, A>G on the plus strand (T>C on the coding strand, the complement: ABCC9 is on the minus strand). VCF-style: chr12-21906141-A-G. GRCh37 (hg19) VCF-style: chr12-22059075-A-G.
Other names: c.1603T>C, p.Tyr535His (NM_001377273.1, NM_005691.4); c.739T>C, p.Tyr247His (NM_001377274.1); short protein forms Y535H, Y247H.
Identifiers: ClinVar variation 45389 (VCV000045389.20), dbSNP rs397517184, ClinGen allele CA136215.